The following is an entry in ClinVar:

ClinVar aggregate classification (germline): Uncertain significance (1 of 4 stars; one submission).

Conditions:
Bifunctional peroxisomal enzyme deficiency (DBIF). Also called: PBFE DEFICIENCY; D-bifunctional protein deficiency; DBP DEFICIENCY. Identifiers: Orphanet 300, MedGen C0342870, MONDO:0009855, OMIM 261515. Disease mechanism: loss of function.
Perrault syndrome. Also called: Gonadal dysgenesis with auditory dysfunction, autosomal recessive inheritance. Identifiers: Orphanet 2855, MedGen C0685838, MONDO:0017312.

gnomAD v4.1: 2 of 1,612,240 alleles (0.00012%); highest among the groups gnomAD compares: Non-Finnish European, 0.00017%; no homozygotes.

Submission:

Labcorp Genetics (formerly Invitae), Labcorp
Classification: Uncertain significance for Perrault syndrome; Bifunctional peroxisomal enzyme deficiency. Last evaluated: 2021-12-02. Review status: criteria provided, single submitter. Criteria: Invitae Variant Classification Sherloc (09022015). Collection method: clinical testing. Allele origin: germline.
Comment: This sequence change replaces isoleucine, which is neutral and non-polar, with valine, which is neutral and non-polar, at codon 689 of the HSD17B4 protein (p.Ile689Val). This variant is not present in population databases (gnomAD no frequency). This variant has not been reported in the literature in individuals affected with HSD17B4-related conditions. Advanced modeling of protein sequence and biophysical properties (such as structural, functional, and spatial information, amino acid conservation, physicochemical variation, residue mobility, and thermodynamic stability) performed at Invitae indicates that this missense variant is not expected to disrupt HSD17B4 protein function. Algorithms developed to predict the effect of sequence changes on RNA splicing suggest that this variant may create or strengthen a splice site. In summary, the available evidence is currently insufficient to determine the role of this variant in disease. Therefore, it has been classified as a Variant of Uncertain Significance.

NM_000414.4(HSD17B4):c.2065A>G (p.Ile689Val)

Gene: HSD17B4 (hydroxysteroid 17-beta dehydrogenase 4; plus strand). Cytogenetic location: 5q23.1.
Variant type: single nucleotide variant.
Coding change: c.2065A>G on transcript NM_000414.4 (MANE Select); coding-DNA position 2065, A replaced by G.
Protein change: p.Ile689Val; replaces isoleucine 689 with valine.
Molecular consequence: missense variant. On other transcripts: non-coding transcript variant (2).
Genome position (GRCh38, 1-based): chr5:119,536,494, A>G. VCF-style: chr5-119536494-A-G. GRCh37 (hg19) VCF-style: chr5-118872189-A-G.
Other names: c.2140A>G, p.Ile714Val (NM_001199291.3); c.2011A>G, p.Ile671Val (NM_001199292.2); c.1993A>G, p.Ile665Val (NM_001292027.2, NM_001374498.1); c.1645A>G, p.Ile549Val (NM_001292028.2); c.2056A>G, p.Ile686Val (NM_001374497.1); c.1738A>G, p.Ile580Val (NM_001374499.1); c.1624A>G, p.Ile542Val (NM_001374500.1); c.1654A>G, p.Ile552Val (NM_001374501.1, NM_001374502.1, NM_001374503.1); short protein forms I552V, I665V, I542V, I549V, I580V, I671V, I686V, I689V.
Identifiers: ClinVar variation 2025806 (VCV002025806.4), dbSNP rs1402710728, ClinGen allele CA360872050.